The following is an entry in ClinVar:

NM_015425.6(POLR1A):c.3805C>T (p.Leu1269Phe)

Genes: POLR1A (RNA polymerase I subunit A; minus strand), LOC106783498 (conserved acetylation island sequence 34 enhancer; plus strand). Cytogenetic location: 2p11.2.
Variant type: single nucleotide variant.
Coding change: c.3805C>T on transcript NM_015425.6 (MANE Select); coding-DNA position 3805, C replaced by T.
Protein change: p.Leu1269Phe; replaces leucine 1269 with phenylalanine.
Molecular consequence: missense variant.
Genome position (GRCh38, 1-based): chr2:86,039,398, G>A on the plus strand (C>T on the coding strand, the complement: POLR1A is on the minus strand). VCF-style: chr2-86039398-G-A. GRCh37 (hg19) VCF-style: chr2-86266521-G-A.
Other names: short protein forms L1269F.
Identifiers: ClinVar variation 3023313 (VCV003023313.3), dbSNP rs373510358, ClinGen allele CA1745673.

ClinVar aggregate classification (germline): Uncertain significance (1 of 4 stars; one submission).

Allele frequency attached by ClinVar (database versions not stated): gnomAD 0.00002; TOPMed 0.00005; ExAC 0.00007; 1000 Genomes Project 0.00020; 1000 Genomes Project 30x 0.00047.
gnomAD v4.1: 37 of 1,614,006 alleles (0.0023%); highest among the groups gnomAD compares: East Asian, 0.067%; 1 homozygote.

Submission:

Labcorp Genetics (formerly Invitae), Labcorp
Classification: Uncertain significance. Last evaluated: 2023-05-15. Review status: criteria provided, single submitter. Criteria: Invitae Variant Classification Sherloc (09022015). Collection method: clinical testing. Allele origin: germline.
Comment: This sequence change replaces leucine, which is neutral and non-polar, with phenylalanine, which is neutral and non-polar, at codon 1269 of the POLR1A protein (p.Leu1269Phe). This variant is present in population databases (rs373510358, gnomAD 0.2%). This variant has not been reported in the literature in individuals affected with POLR1A-related conditions. Advanced modeling of protein sequence and biophysical properties (such as structural, functional, and spatial information, amino acid conservation, physicochemical variation, residue mobility, and thermodynamic stability) performed at Invitae indicates that this missense variant is not expected to disrupt POLR1A protein function. In summary, the available evidence is currently insufficient to determine the role of this variant in disease. Therefore, it has been classified as a Variant of Uncertain Significance.